The following is an entry in ClinVar:

ClinVar aggregate classification (germline): Uncertain significance (1 of 4 stars; one submission).

Allele frequency attached by ClinVar (database versions not stated): gnomAD 0.00002; TOPMed 0.00003.
gnomAD v4.1: 18 of 1,613,954 alleles (0.0011%); highest among the groups gnomAD compares: South Asian, 0.0022%; no homozygotes.

Submission:

Women's Health and Genetics/Laboratory Corporation of America, LabCorp
Classification: Uncertain significance. Last evaluated: 2024-04-11. Review status: criteria provided, single submitter. Criteria: LabCorp Variant Classification Summary - May 2015. Collection method: clinical testing. Allele origin: germline.
Comment: Variant summary: SLC38A8 c.1126G>A (p.Gly376Arg) results in a non-conservative amino acid change located in the amino acid transporter, transmembrane domain (IPR013057) of the encoded protein sequence. Four of five in-silico tools predict a damaging effect of the variant on protein function. The variant allele was found at a frequency of 4e-06 in 251140 control chromosomes. The available data on variant occurrences in the general population are insufficient to allow any conclusion about variant significance. c.1126G>A has been reported in the literature in at least one compound heterozygous individual affected with Foveal Hypoplasia, Optic Nerve Decussation Defect, Anterior Segment Dysgenesis Syndrome (e.g., Kuht_2020). These data do not allow any conclusion about variant significance. To our knowledge, no experimental evidence demonstrating an impact on protein function has been reported. The following publication has been ascertained in the context of this evaluation (PMID: 32744312). No submitters have cited clinical-significance assessments for this variant to ClinVar. Based on the evidence outlined above, the variant was classified as uncertain significance.

Literature cited by the submitters: PubMed 32744312.

NM_001080442.3(SLC38A8):c.1126G>A (p.Gly376Arg)

Gene: SLC38A8 (solute carrier family 38 member 8; minus strand). Cytogenetic location: 16q23.3.
Variant type: single nucleotide variant.
Coding change: c.1126G>A on transcript NM_001080442.3 (MANE Select); coding-DNA position 1126, G replaced by A.
Protein change: p.Gly376Arg; replaces glycine 376 with arginine.
Molecular consequence: missense variant.
Genome position (GRCh38, 1-based): chr16:84,016,555, C>T on the plus strand (G>A on the coding strand, the complement: SLC38A8 is on the minus strand). VCF-style: chr16-84016555-C-T. GRCh37 (hg19) VCF-style: chr16-84050160-C-T.
Other names: short protein forms G376R.
Identifiers: ClinVar variation 3251345 (VCV003251345.1), dbSNP rs774038975.